The following is an entry in ClinVar:

NM_000231.3(SGCG):c.392A>G (p.Lys131Arg)

Gene: SGCG (sarcoglycan gamma; plus strand). Cytogenetic location: 13q12.12.
Variant type: single nucleotide variant.
Coding change: c.392A>G on transcript NM_000231.3 (MANE Select); coding-DNA position 392, A replaced by G.
Protein change: p.Lys131Arg; replaces lysine 131 with arginine.
Molecular consequence: missense variant.
Genome position (GRCh38, 1-based): chr13:23,279,365, A>G. VCF-style: chr13-23279365-A-G. GRCh37 (hg19) VCF-style: chr13-23853504-A-G.
Other names: c.446A>G, p.Lys149Arg (NM_001378244.1); c.392A>G, p.Lys131Arg (NM_001378245.1, NM_001378246.1); short protein forms K149R, K131R.
Identifiers: ClinVar variation 881854 (VCV000881854.11), dbSNP rs544414698, ClinGen allele CA6909680.

ClinVar aggregate classification (germline): Uncertain significance. Review status: criteria provided, multiple submitters, no conflicts (2 of 4 stars). 5 submissions from 5 submitters: Uncertain significance (5). Last evaluated 2025-08-12.

Conditions:
Sarcoglycanopathy. Identifiers: Orphanet 207052, MedGen C2936331, MONDO:0016140.
Autosomal recessive limb-girdle muscular dystrophy type 2C (LGMDR5). Also called: MUSCULAR DYSTROPHY, LIMB-GIRDLE, AUTOSOMAL RECESSIVE 5; MUSCULAR DYSTROPHY, DUCHENNE-LIKE. Identifiers: Orphanet 353, MedGen C0410173, MONDO:0009677, OMIM 253700. Disease mechanism: Affects gamma-sarcoglycan and also disrupts the integrity of the entire sarcoglycan complex..

Allele frequency attached by ClinVar (database versions not stated): TOPMed below 0.00001; ExAC 0.00001; gnomAD 0.00001; gnomAD exomes 0.00001; 1000 Genomes Project 30x 0.00016; 1000 Genomes Project 0.00020.
gnomAD v4.1: 16 of 1,612,956 alleles (0.00099%); highest among the groups gnomAD compares: Middle Eastern, 0.033%; no homozygotes.

Submissions (5):

Labcorp Genetics (formerly Invitae), Labcorp
Classification: Uncertain significance for Autosomal recessive limb-girdle muscular dystrophy type 2C. Last evaluated: 2025-08-12. Review status: criteria provided, single submitter. Criteria: Invitae Variant Classification Sherloc (09022015). Collection method: clinical testing. Allele origin: germline.
Comment: This sequence change replaces lysine, which is basic and polar, with arginine, which is basic and polar, at codon 131 of the SGCG protein (p.Lys131Arg). This variant is present in population databases (rs544414698, gnomAD 0.006%). This missense change has been observed in individual(s) with clinical features of limb-girdle muscular dystrophy (PMID: 28687063). ClinVar contains an entry for this variant (Variation ID: 881854). Invitae Evidence Modeling of protein sequence and biophysical properties (such as structural, functional, and spatial information, amino acid conservation, physicochemical variation, residue mobility, and thermodynamic stability) indicates that this missense variant is not expected to disrupt SGCG protein function with a negative predictive value of 80%. In summary, the available evidence is currently insufficient to determine the role of this variant in disease. Therefore, it has been classified as a Variant of Uncertain Significance.

Revvity Omics, Revvity
Classification: Uncertain significance for Autosomal recessive limb-girdle muscular dystrophy type 2C. Last evaluated: 2021-12-17. Review status: criteria provided, single submitter. Criteria: ACMG Guidelines, 2015. Collection method: clinical testing. Allele origin: germline.

Illumina Laboratory Services, Illumina
Classification: Uncertain significance for Sarcoglycanopathy. Last evaluated: 2018-01-13. Review status: criteria provided, single submitter. Criteria: ICSL Variant Classification Criteria 13 December 2019. Collection method: clinical testing. Allele origin: germline.

Medical Genetics Laboratory, Etlik City Hospital
Classification: Uncertain significance for Autosomal recessive limb-girdle muscular dystrophy type 2C. Review status: criteria provided, single submitter. Criteria: ACMG Guidelines, 2015. Collection method: clinical testing. Allele origin: germline. Inheritance: Autosomal recessive inheritance. Affected: no.
Comment: The c.392A>G p.(Lys131Arg) missense variant identified in SGCG has been found in a heterozygous form in only 16 individuals in the GnomAD database, and no homozygous individuals have been reported. In silico meta-prediction tools, such as REVEL and BayesDel, predict this variant as benign. In the ClinVar database, this variant has been submitted by four different centers and classified as a variant of uncertain significance (accession numbers: SCV001268663.1, SCV002285975.2, SCV004048519.1, and SCV003819955.2). Another literature report describes a sarcoglycanopathy cohort including Turkish patients, in which the c.392A>G p.(Lys131Arg) variant was found in the homozygous state in four patients with pathologically confirmed sarcoglycanopathy (DOI: 10.1016/j.nmd.2023.07.203). Similar to the ClinVar entries, both studies classified it as a variant of uncertain significance and were unable to demonstrate any connection between the c.392A>G variant and the exon 1-4 duplication. The associated 136 Kb exon 1-4 duplication in SGCG has not been reported in any public CNV or variant database, except for our recent submission to ClinVar (Accession Number: SCV006278036). The duplication is likely to disrupt the reading frame, consistent with a loss-of-function effect, which is further supported by our functional data. In our dataset, the point mutation alone (c.392A>G) was identified in 3 individuals without the accompanying exon 1–4 duplication. In contrast, the combined allele (c.392A>G along with exon 1–4 duplication) was detected in a total of 11 individuals. While the c.392A>G variant alone remains classified as a variant of uncertain significance, the combined allele is considered pathogenic.

Neuberg Centre For Genomic Medicine, NCGM
Classification: Uncertain significance for Autosomal recessive limb-girdle muscular dystrophy type 2C. Review status: criteria provided, single submitter. Criteria: ACMG Guidelines, 2015. Collection method: clinical testing. Allele origin: germline. Inheritance: Autosomal recessive inheritance. Affected: yes.
Comment: The missense variant p.K131R in SGCG (NM_000231.3) has not been reported previously as a pathogenic variant nor as a benign variant, to our knowledge. The p.K131R variant is observed in 2/30,606 (0.0065%) alleles from individuals of South Asian background in gnomAD Exomes and in 1/978 (0.1022%) alleles from individuals of South Asian background in 1000 Genomes. There is a small physicochemical difference between lysine and arginine, which is not likely to impact secondary protein structure as these residues share similar properties. The variant is predicted to be damaging by SIFT and the residue is conserved across species. The amino acid change p.Lys131Arg in SGCG is predicted as conserved by GERP++ and PhyloP across 100 vertebrates. For these reasons, this variant has been classified as Uncertain Significance.

Literature cited by the submitters: PubMed 28687063 (cited by Labcorp Genetics (formerly Invitae), Labcorp and Medical Genetics Laboratory, Etlik City Hospital); DOI 10.1016/j.nmd.2023.07.203 (cited by Medical Genetics Laboratory, Etlik City Hospital).